The following is an entry in ClinVar:

ClinVar aggregate classification (germline): Uncertain significance (1 of 4 stars; one submission).

Conditions:
RASopathy. Also called: Noonan spectrum disorder; rasopathies. Identifiers: Orphanet 536391, MedGen C5555857, MONDO:0021060.

Submission:

Labcorp Genetics (formerly Invitae), Labcorp
Classification: Uncertain significance for RASopathy. Last evaluated: 2025-11-09. Review status: criteria provided, single submitter. Criteria: Invitae Variant Classification Sherloc (09022015). Collection method: clinical testing. Allele origin: germline.
Comment: This sequence change replaces alanine, which is neutral and non-polar, with aspartic acid, which is acidic and polar, at codon 488 of the CBL protein (p.Ala488Asp). This variant is not present in population databases (gnomAD no frequency). This variant has not been reported in the literature in individuals affected with CBL-related conditions. ClinVar contains an entry for this variant (Variation ID: 2095816). Invitae Evidence Modeling of protein sequence and biophysical properties (such as structural, functional, and spatial information, amino acid conservation, physicochemical variation, residue mobility, and thermodynamic stability) indicates that this missense variant is not expected to disrupt CBL protein function with a negative predictive value of 95%. In summary, the available evidence is currently insufficient to determine the role of this variant in disease. Therefore, it has been classified as a Variant of Uncertain Significance.

NM_005188.4(CBL):c.1463C>A (p.Ala488Asp)

Gene: CBL (Cbl proto-oncogene; plus strand). Cytogenetic location: 11q23.3.
Variant type: single nucleotide variant.
Coding change: c.1463C>A on transcript NM_005188.4 (MANE Select); coding-DNA position 1463, C replaced by A.
Protein change: p.Ala488Asp; replaces alanine 488 with aspartic acid.
Molecular consequence: missense variant.
Genome position (GRCh38, 1-based): chr11:119,285,000, C>A. VCF-style: chr11-119285000-C-A. GRCh37 (hg19) VCF-style: chr11-119155710-C-A.
Other names: short protein forms A488D.
Identifiers: ClinVar variation 2095816 (VCV002095816.4), dbSNP rs377502790, ClinGen allele CA382917889.